The following is an entry in ClinVar:

NM_007009.3(ZPBP):c.498G>A (p.Glu166=)

Gene: ZPBP (zona pellucida binding protein; minus strand). Cytogenetic location: 7p12.2.
Variant type: single nucleotide variant.
Coding change: c.498G>A on transcript NM_007009.3 (MANE Select); coding-DNA position 498, G replaced by A.
Protein change: p.Glu166=; no amino-acid change (glutamic acid 166 retained).
Molecular consequence: synonymous variant.
Genome position (GRCh38, 1-based): chr7:50,031,300, C>T on the plus strand (G>A on the coding strand, the complement: ZPBP is on the minus strand). VCF-style: chr7-50031300-C-T. GRCh37 (hg19) VCF-style: chr7-50070896-C-T.
Other names: c.495G>A, p.Glu165= (NM_001159878.2).
Identifiers: ClinVar variation 3044696 (VCV003044696.3), dbSNP rs201491108, ClinGen allele CA4260797.

ClinVar aggregate classification (germline): Likely benign. Review status: criteria provided, single submitter (1 of 4 stars). 2 submissions from 2 submitters: Likely benign (1). 1 of the submissions does not count toward it. Last evaluated 2024-09-23.

Conditions:
ZPBP-related disorder. Also called: ZPBP-related condition.

Allele frequency attached by ClinVar (database versions not stated): ExAC 0.00025; 1000 Genomes Project 30x 0.00031; ESP Exome Variant Server 0.00031; 1000 Genomes Project 0.00040; TOPMed 0.00062; gnomAD 0.00068.
gnomAD v4.1: 267 of 1,609,574 alleles (0.017%); highest among the groups gnomAD compares: African/African-American, 0.26%; no homozygotes.

Submissions (2):

Blueprint Genetics
Classification: Likely benign. Last evaluated: 2024-09-23. Review status: criteria provided, single submitter. Criteria: ACMG Guidelines, 2015. Collection method: clinical testing. Allele origin: germline.

PreventionGenetics, part of Exact Sciences
Classification: Likely benign for ZPBP-related condition. Last evaluated: 2019-03-12. Review status: no assertion criteria provided. Collection method: clinical testing. Allele origin: germline. Not counted in ClinVar's aggregate classification.
Comment: This variant is classified as likely benign based on ACMG/AMP sequence variant interpretation guidelines (Richards et al. 2015 PMID: 25741868, with internal and published modifications).